The following is an entry in ClinVar:

ClinVar aggregate classification (germline): Uncertain significance (1 of 4 stars; one submission).

Conditions:
Hypertrophic cardiomyopathy. Also called: HYPERTROPHIC MYOCARDIOPATHY. Identifiers: Orphanet 217569, MedGen C0007194, MeSH D002312, MONDO:0005045, HP:0001639.

Submission:

Labcorp Genetics (formerly Invitae), Labcorp
Classification: Uncertain significance for Hypertrophic cardiomyopathy. Last evaluated: 2023-03-29. Review status: criteria provided, single submitter. Criteria: Invitae Variant Classification Sherloc (09022015). Collection method: clinical testing. Allele origin: germline.
Comment: This sequence change replaces serine, which is neutral and polar, with arginine, which is basic and polar, at codon 210 of the MYH7 protein (p.Ser210Arg). This variant is not present in population databases (gnomAD no frequency). This missense change has been observed in individual(s) with clinical features of hypertrophic cardiomyopathy (PMID: 24111713). Advanced modeling of protein sequence and biophysical properties (such as structural, functional, and spatial information, amino acid conservation, physicochemical variation, residue mobility, and thermodynamic stability) performed at Invitae indicates that this missense variant is expected to disrupt MYH7 protein function. In summary, the available evidence is currently insufficient to determine the role of this variant in disease. Therefore, it has been classified as a Variant of Uncertain Significance.

Literature cited by the submitters: PubMed 24111713.

NM_000257.4(MYH7):c.630C>A (p.Ser210Arg)

Gene: MYH7 (myosin heavy chain 7; minus strand). Cytogenetic location: 14q11.2.
Variant type: single nucleotide variant.
Coding change: c.630C>A on transcript NM_000257.4 (MANE Select); coding-DNA position 630, C replaced by A.
Protein change: p.Ser210Arg; replaces serine 210 with arginine.
Molecular consequence: missense variant.
Genome position (GRCh38, 1-based): chr14:23,431,770, G>T on the plus strand (C>A on the coding strand, the complement: MYH7 is on the minus strand). VCF-style: chr14-23431770-G-T. GRCh37 (hg19) VCF-style: chr14-23900979-G-T.
Other names: c.630C>A, p.Ser210Arg (NM_001407004.1); short protein forms S210R.
Identifiers: ClinVar variation 2850597 (VCV002850597.3), dbSNP rs1892954758, ClinGen allele CA389052384.